The following is an entry in ClinVar:

ClinVar aggregate classification (germline): Uncertain significance. Review status: criteria provided, multiple submitters, no conflicts (2 of 4 stars). 2 submissions from 2 submitters: Uncertain significance (2). Last evaluated 2025-09-12.

Conditions:
Hereditary cancer-predisposing syndrome. Also called: Hereditary neoplastic syndrome; Hereditary Cancer Syndrome; Neoplastic Syndromes, Hereditary; Tumor predisposition. Identifiers: Orphanet 140162, MedGen C0027672, MeSH D009386, MONDO:0015356.
Ataxia-telangiectasia syndrome (AT). Also called: LOUIS-BAR SYNDROME; Cerebello-oculocutaneous telangiectasia; Immunodeficiency with ataxia telangiectasia; Ataxia-telangiectasia, complementation group D; Ataxia-telangiectasia, complementation group E; Ataxia telangiectasia (A-T). Identifiers: Orphanet 100, MedGen C0004135, MONDO:0008840, OMIM 208900.

Allele frequency attached by ClinVar (database versions not stated): gnomAD exomes below 0.00001.
gnomAD v4.1: 2 of 1,613,904 alleles (0.00012%); highest among the groups gnomAD compares: Non-Finnish European, 0.00017%; no homozygotes.

Submissions (2):

Ambry Genetics
Classification: Uncertain significance for Hereditary cancer-predisposing syndrome. Last evaluated: 2025-09-12. Review status: criteria provided, single submitter. Criteria: Ambry Variant Classification Scheme 2023. Collection method: clinical testing. Allele origin: germline.
Comment: The p.Q91P variant (also known as c.272A>C), located in coding exon 3 of the ATM gene, results from an A to C substitution at nucleotide position 272. The glutamine at codon 91 is replaced by proline, an amino acid with similar properties. This amino acid position is well conserved in available vertebrate species. In addition, the in silico prediction for this alteration is inconclusive. Based on the available evidence, the clinical significance of this variant remains unclear.

Labcorp Genetics (formerly Invitae), Labcorp
Classification: Uncertain significance for Ataxia-telangiectasia syndrome. Last evaluated: 2022-12-04. Review status: criteria provided, single submitter. Criteria: Invitae Variant Classification Sherloc (09022015). Collection method: clinical testing. Allele origin: germline.
Comment: Advanced modeling of protein sequence and biophysical properties (such as structural, functional, and spatial information, amino acid conservation, physicochemical variation, residue mobility, and thermodynamic stability) performed at Invitae indicates that this missense variant is not expected to disrupt ATM protein function. This sequence change replaces glutamine, which is neutral and polar, with proline, which is neutral and non-polar, at codon 91 of the ATM protein (p.Gln91Pro). This variant is not present in population databases (gnomAD no frequency). This variant has not been reported in the literature in individuals affected with ATM-related conditions. In summary, the available evidence is currently insufficient to determine the role of this variant in disease. Therefore, it has been classified as a Variant of Uncertain Significance.

NM_000051.4(ATM):c.272A>C (p.Gln91Pro)

Gene: ATM (ATM serine/threonine kinase; plus strand). Cytogenetic location: 11q22.3.
Variant type: single nucleotide variant.
Coding change: c.272A>C on transcript NM_000051.4 (MANE Select); coding-DNA position 272, A replaced by C.
Protein change: p.Gln91Pro; replaces glutamine 91 with proline.
Molecular consequence: missense variant.
Genome position (GRCh38, 1-based): chr11:108,229,264, A>C. VCF-style: chr11-108229264-A-C. GRCh37 (hg19) VCF-style: chr11-108099991-A-C.
Other names: c.272A>C, p.Gln91Pro (NM_001351834.2, NM_001351835.2, NM_001351836.2); short protein forms Q91P.
Identifiers: ClinVar variation 3011885 (VCV003011885.4), dbSNP rs1591451977, ClinGen allele CA382521639.
Genomic context (GRCh38, chr11:108,229,264, plus strand): 5'-AAACAGAATGTCTGAGAATAGCAAAACCAAATGTATCAGCCTCAACACAAGCCTCCAGGC[A>C]GAAAAAGATGCAGGAAATCAGTAGTTTGGTCAAATACTTCATCAAATGTGCAAACAGAAG-3'
Protein context (NP_000042.3, residues 81-101): NVSASTQASR[Gln91Pro]KKMQEISSLV